The following is an entry in ClinVar:

NM_173791.5(PDZD8):c.93C>G (p.Pro31=)

Gene: PDZD8 (PDZ domain containing 8; minus strand). Cytogenetic location: 10q26.11.
Variant type: single nucleotide variant.
Coding change: c.93C>G on transcript NM_173791.5 (MANE Select); coding-DNA position 93, C replaced by G.
Protein change: p.Pro31=; no amino-acid change (proline 31 retained).
Molecular consequence: synonymous variant.
Genome position (GRCh38, 1-based): chr10:117,375,135, G>C on the plus strand (C>G on the coding strand, the complement: PDZD8 is on the minus strand). VCF-style: chr10-117375135-G-C. GRCh37 (hg19) VCF-style: chr10-119134646-G-C.
Identifiers: ClinVar variation 4821278 (VCV004821278.4).

ClinVar aggregate classification (germline): Likely benign (1 of 4 stars; one submission).

gnomAD v4.1: 61 of 1,590,138 alleles (0.0038%); highest among the groups gnomAD compares: Admixed American, 0.01%; no homozygotes.

Submission:

CeGaT Center for Human Genetics Tuebingen
Classification: Likely benign. Last evaluated: 2026-02-01. Review status: criteria provided, single submitter. Criteria: CeGaT Center For Human Genetics Tuebingen Variant Classification Criteria Version 2. Collection method: clinical testing. Allele origin: germline. Affected: yes. Observed: 1 variant allele.
Comment: PDZD8: BP4, BP7